The following is an entry in ClinVar:

ClinVar aggregate classification (germline): Uncertain significance. Review status: criteria provided, multiple submitters, no conflicts (2 of 4 stars). 2 submissions from 2 submitters: Uncertain significance (2). Last evaluated 2024-05-21.

Conditions:
Dilated cardiomyopathy 1J (CMD1J). Also called: CARDIOMYOPATHY, DILATED, WITH SENSORINEURAL HEARING LOSS, AUTOSOMAL DOMINANT. Identifiers: Orphanet 217622, MedGen C1854368, MONDO:0011541, OMIM 605362.
Cardiovascular phenotype. Identifiers: MedGen CN230736.

Allele frequency attached by ClinVar (database versions not stated): gnomAD 0.00001; gnomAD exomes 0.00001; TOPMed 0.00003.

Submissions (2):

Ambry Genetics
Classification: Uncertain significance for Cardiovascular phenotype. Last evaluated: 2024-05-21. Review status: criteria provided, single submitter. Criteria: Ambry Variant Classification Scheme 2023. Collection method: clinical testing. Allele origin: germline.
Comment: The p.V547I variant (also known as c.1639G>A), located in coding exon 17 of the EYA4 gene, results from a G to A substitution at nucleotide position 1639. The valine at codon 547 is replaced by isoleucine, an amino acid with highly similar properties. This amino acid position is conserved. In addition, this alteration is predicted to be deleterious by in silico analysis. Based on the available evidence, the clinical significance of this variant remains unclear.

Labcorp Genetics (formerly Invitae), Labcorp
Classification: Uncertain significance for Dilated cardiomyopathy 1J. Last evaluated: 2024-02-17. Review status: criteria provided, single submitter. Criteria: Invitae Variant Classification Sherloc (09022015). Collection method: clinical testing. Allele origin: germline.
Comment: This sequence change replaces valine, which is neutral and non-polar, with isoleucine, which is neutral and non-polar, at codon 547 of the EYA4 protein (p.Val547Ile). This variant is not present in population databases (gnomAD no frequency). This variant has not been reported in the literature in individuals affected with EYA4-related conditions. ClinVar contains an entry for this variant (Variation ID: 570926). Advanced modeling of protein sequence and biophysical properties (such as structural, functional, and spatial information, amino acid conservation, physicochemical variation, residue mobility, and thermodynamic stability) performed at Invitae indicates that this missense variant is not expected to disrupt EYA4 protein function with a negative predictive value of 80%. In summary, the available evidence is currently insufficient to determine the role of this variant in disease. Therefore, it has been classified as a Variant of Uncertain Significance.

NM_004100.5(EYA4):c.1639G>A (p.Val547Ile)

Genes: TARID (TCF21 antisense RNA inducing promoter demethylation; minus strand), EYA4 (EYA transcriptional coactivator and phosphatase 4; plus strand). Cytogenetic location: 6q23.2.
Variant type: single nucleotide variant.
Coding change: c.1639G>A on transcript NM_004100.5 (MANE Select); coding-DNA position 1639, G replaced by A.
Protein change: p.Val547Ile; replaces valine 547 with isoleucine.
Molecular consequence: missense variant.
Genome position (GRCh38, 1-based): chr6:133,523,078, G>A. VCF-style: chr6-133523078-G-A. GRCh37 (hg19) VCF-style: chr6-133844216-G-A.
Other names: c.1477G>A, p.Val493Ile (NM_001301012.2); c.1657G>A, p.Val553Ile (NM_001301013.2); c.1570G>A, p.Val524Ile (NM_001370458.1, NM_172103.4); c.1495G>A, p.Val499Ile (NM_001370459.1); c.1639G>A, p.Val547Ile (NM_172105.4); short protein forms V547I, V499I, V553I, V493I, V524I.
Identifiers: ClinVar variation 570926 (VCV000570926.9), dbSNP rs1270716473, ClinGen allele CA365698414.